The following is an entry in ClinVar:

NM_198253.3(TERT):c.1861C>G (p.Leu621Val)

Gene: TERT (telomerase reverse transcriptase; minus strand). Cytogenetic location: 5p15.33.
Variant type: single nucleotide variant.
Coding change: c.1861C>G on transcript NM_198253.3 (MANE Select); coding-DNA position 1861, C replaced by G.
Protein change: p.Leu621Val; replaces leucine 621 with valine.
Molecular consequence: missense variant. On other transcripts: non-coding transcript variant (2).
Genome position (GRCh38, 1-based): chr5:1,280,247, G>C on the plus strand (C>G on the coding strand, the complement: TERT is on the minus strand). VCF-style: chr5-1280247-G-C. GRCh37 (hg19) VCF-style: chr5-1280362-G-C.
Other names: c.1861C>G, p.Leu621Val (NM_001193376.3); short protein forms L621V.
Identifiers: ClinVar variation 3455227 (VCV003455227.1).

ClinVar aggregate classification (germline): Uncertain significance (1 of 4 stars; one submission).

Conditions:
Dyskeratosis congenita. Identifiers: Orphanet 1775, MedGen C0265965, MONDO:0015780.

gnomAD v4.1: 1 of 1,613,744 alleles (0.000062%); highest among the groups gnomAD compares: African/African-American, 0.0013%; no homozygotes.

Submission:

Ambry Genetics
Classification: Uncertain significance for Dyskeratosis congenita. Last evaluated: 2024-12-06. Review status: criteria provided, single submitter. Criteria: Ambry Variant Classification Scheme 2023. Collection method: clinical testing. Allele origin: germline.
Comment: The p.L621V variant (also known as c.1861C>G), located in coding exon 4 of the TERT gene, results from a C to G substitution at nucleotide position 1861. The leucine at codon 621 is replaced by valine, an amino acid with highly similar properties. This amino acid position is conserved. In addition, the in silico prediction for this alteration is inconclusive. Based on the available evidence, the clinical significance of this variant remains unclear.